The following is an entry in ClinVar:

ClinVar aggregate classification (germline): Uncertain significance. Review status: criteria provided, multiple submitters, no conflicts (2 of 4 stars). 2 submissions from 2 submitters: Uncertain significance (2). Last evaluated 2024-08-05.

Conditions:
Ataxia-telangiectasia syndrome (AT). Also called: Ataxia-telangiectasia, complementation group D; AT, COMPLEMENTATION GROUP C; ATAXIA-TELANGIECTASIA, COMPLEMENTATION GROUP A; ATAXIA-TELANGIECTASIA, FRESNO VARIANT; Ataxia-telangiectasia; LOUIS-BAR SYNDROME. Identifiers: Orphanet 100, MedGen C0004135, MONDO:0008840, OMIM 208900.
Hereditary cancer-predisposing syndrome. Also called: Neoplastic Syndromes, Hereditary; Tumor predisposition; Hereditary neoplastic syndrome; Hereditary Cancer Syndrome. Identifiers: Orphanet 140162, MedGen C0027672, MeSH D009386, MONDO:0015356.

Allele frequency attached by ClinVar (database versions not stated): gnomAD exomes below 0.00001.
gnomAD v4.1: 1 of 1,612,076 alleles (0.000062%); highest among the groups gnomAD compares: Non-Finnish European, 0.000085%; no homozygotes.

Submissions (2):

Ambry Genetics
Classification: Uncertain significance for Hereditary cancer-predisposing syndrome. Last evaluated: 2024-08-05. Review status: criteria provided, single submitter. Criteria: Ambry Variant Classification Scheme 2023. Collection method: clinical testing. Allele origin: germline.
Comment: The p.Q368R variant (also known as c.1103A>G), located in coding exon 8 of the ATM gene, results from an A to G substitution at nucleotide position 1103. The glutamine at codon 368 is replaced by arginine, an amino acid with highly similar properties. This amino acid position is highly conserved in available vertebrate species. In addition, this alteration is predicted to be tolerated by in silico analysis. Based on the available evidence, the clinical significance of this variant remains unclear.

Labcorp Genetics (formerly Invitae), Labcorp
Classification: Uncertain significance for Ataxia-telangiectasia syndrome. Last evaluated: 2024-02-13. Review status: criteria provided, single submitter. Criteria: Invitae Variant Classification Sherloc (09022015). Collection method: clinical testing. Allele origin: germline.
Comment: This sequence change replaces glutamine, which is neutral and polar, with arginine, which is basic and polar, at codon 368 of the ATM protein (p.Gln368Arg). This variant is present in population databases (no rsID available, gnomAD 0.0009%). This variant has not been reported in the literature in individuals affected with ATM-related conditions. ClinVar contains an entry for this variant (Variation ID: 1792969). An algorithm developed to predict the effect of missense changes on protein structure and function (PolyPhen-2) suggests that this variant is likely to be disruptive. In summary, the available evidence is currently insufficient to determine the role of this variant in disease. Therefore, it has been classified as a Variant of Uncertain Significance.

NM_000051.4(ATM):c.1103A>G (p.Gln368Arg)

Gene: ATM (ATM serine/threonine kinase; plus strand). Cytogenetic location: 11q22.3.
Variant type: single nucleotide variant.
Coding change: c.1103A>G on transcript NM_000051.4 (MANE Select); coding-DNA position 1103, A replaced by G.
Protein change: p.Gln368Arg; replaces glutamine 368 with arginine.
Molecular consequence: missense variant.
Genome position (GRCh38, 1-based): chr11:108,248,970, A>G. VCF-style: chr11-108248970-A-G. GRCh37 (hg19) VCF-style: chr11-108119697-A-G.
Other names: c.1103A>G, p.Gln368Arg (NM_001351834.2); short protein forms Q368R.
Identifiers: ClinVar variation 1792969 (VCV001792969.8), dbSNP rs1432713767, ClinGen allele CA382532390.